The following is an entry in ClinVar:

ClinVar aggregate classification (germline): Conflicting classifications of pathogenicity. Review status: criteria provided, conflicting classifications (1 of 4 stars). 3 submissions from 3 submitters: Likely pathogenic (1); Uncertain significance (2). Last evaluated 2025-05-27.

Conditions:
Branchiootic syndrome 3 (BOS3). Also called: BO SYNDROME 3. Identifiers: MedGen C1842124, MONDO:0012025, OMIM 608389.
Autosomal dominant nonsyndromic hearing loss 23. Identifiers: Orphanet 90635, MedGen C1854594, MONDO:0011519, OMIM 605192.
Inborn genetic diseases. Identifiers: MedGen C0950123, MeSH D030342.

Submissions (3):

Ambry Genetics
Classification: Likely pathogenic for Inborn genetic diseases. Last evaluated: 2025-05-27. Review status: criteria provided, single submitter. Criteria: Ambry Variant Classification Scheme 2023. Collection method: clinical testing. Allele origin: germline.
Comment: The c.524G>A (p.R175Q) alteration is located in exon 1 (coding exon 1) of the SIX1 gene. This alteration results from a G to A substitution at nucleotide position 524, causing the arginine (R) at amino acid position 175 to be replaced by a glutamine (Q). This variant was not reported in population-based cohorts in the Genome Aggregation Database (gnomAD). This amino acid position is highly conserved in available vertebrate species. This alteration is predicted to be deleterious by in silico analysis. Based on the available evidence, this alteration is classified as likely pathogenic.

GeneDx
Classification: Uncertain significance. Last evaluated: 2024-08-01. Review status: criteria provided, single submitter. Criteria: GeneDx Variant Classification Process June 2021. Collection method: clinical testing. Allele origin: germline. Affected: yes.
Comment: Not observed in large population cohorts (gnomAD); In silico analysis supports that this missense variant has a deleterious effect on protein structure/function; Has not been previously published as pathogenic or benign to our knowledge

Labcorp Genetics (formerly Invitae), Labcorp
Classification: Uncertain significance for Autosomal dominant nonsyndromic hearing loss 23; Branchiootic syndrome 3. Last evaluated: 2021-03-13. Review status: criteria provided, single submitter. Criteria: Invitae Variant Classification Sherloc (09022015). Collection method: clinical testing. Allele origin: germline.
Comment: This sequence change replaces arginine with glutamine at codon 175 of the SIX1 protein (p.Arg175Gln). The arginine residue is highly conserved and there is a small physicochemical difference between arginine and glutamine. This variant is not present in population databases (ExAC no frequency). This variant has not been reported in the literature in individuals with SIX1-related conditions. Algorithms developed to predict the effect of missense changes on protein structure and function (SIFT, PolyPhen-2, Align-GVGD) all suggest that this variant is likely to be disruptive, but these predictions have not been confirmed by published functional studies and their clinical significance is uncertain. In summary, the available evidence is currently insufficient to determine the role of this variant in disease. Therefore, it has been classified as a Variant of Uncertain Significance.

NM_005982.4(SIX1):c.524G>A (p.Arg175Gln)

Genes: MIR9718 (microRNA 9718; plus strand), SIX1 (SIX homeobox 1; minus strand). Cytogenetic location: 14q23.1.
Variant type: single nucleotide variant.
Coding change: c.524G>A on transcript NM_005982.4 (MANE Select); coding-DNA position 524, G replaced by A.
Protein change: p.Arg175Gln; replaces arginine 175 with glutamine.
Molecular consequence: missense variant. On other transcripts: non-coding transcript variant (1).
Genome position (GRCh38, 1-based): chr14:60,648,666, C>T on the plus strand (G>A on the coding strand, the complement: SIX1 is on the minus strand). VCF-style: chr14-60648666-C-T. GRCh37 (hg19) VCF-style: chr14-61115384-C-T.
Other names: short protein forms R175Q.
Identifiers: ClinVar variation 1305847 (VCV001305847.12), dbSNP rs2140240984, ClinGen allele CA389910127.